The following is an entry in ClinVar:

ClinVar aggregate classification (germline): Conflicting classifications of pathogenicity. Review status: criteria provided, conflicting classifications (1 of 4 stars). 3 submissions from 3 submitters: Uncertain significance (2); Likely benign (1). Last evaluated 2024-12-02.

Conditions:
Inborn genetic diseases. Identifiers: MedGen C0950123, MeSH D030342.

Allele frequency attached by ClinVar (database versions not stated): ExAC 0.00001; gnomAD 0.00001; gnomAD exomes 0.00001 and 0.00002; TOPMed 0.00002.
gnomAD v4.1: 12 of 1,614,162 alleles (0.00074%); highest among the groups gnomAD compares: Middle Eastern, 0.033%; no homozygotes.

Submissions (3):

Labcorp Genetics (formerly Invitae), Labcorp
Classification: Likely benign. Last evaluated: 2024-12-02. Review status: criteria provided, single submitter. Criteria: Invitae Variant Classification Sherloc (09022015). Collection method: clinical testing. Allele origin: germline.

GeneDx
Classification: Uncertain significance. Last evaluated: 2019-06-05. Review status: criteria provided, single submitter. Criteria: GeneDx Variant Classification Process June 2021. Collection method: clinical testing. Allele origin: germline. Affected: yes.
Comment: In silico analysis, which includes protein predictors and evolutionary conservation, supports that this variant does not alter protein structure/function; Has not been previously published as pathogenic or benign to our knowledge

Ambry Genetics
Classification: Uncertain significance for Inborn genetic diseases. Last evaluated: 2018-06-22. Review status: criteria provided, single submitter. Criteria: Ambry Variant Classification Scheme 2023. Collection method: clinical testing. Allele origin: germline.
Comment: The p.K1330R variant (also known as c.3989A>G), located in coding exon 16 of the KAT6A gene, results from an A to G substitution at nucleotide position 3989. The lysine at codon 1330 is replaced by arginine, an amino acid with highly similar properties. This amino acid position is not well conserved in available vertebrate species. In addition, this alteration is predicted to be tolerated by in silico analysis. Since supporting evidence is limited at this time, the clinical significance of this alteration remains unclear.

NM_006766.5(KAT6A):c.3989A>G (p.Lys1330Arg)

Gene: KAT6A (lysine acetyltransferase 6A; minus strand). Cytogenetic location: 8p11.21.
Variant type: single nucleotide variant.
Coding change: c.3989A>G on transcript NM_006766.5 (MANE Select); coding-DNA position 3989, A replaced by G.
Protein change: p.Lys1330Arg; replaces lysine 1330 with arginine.
Molecular consequence: missense variant.
Genome position (GRCh38, 1-based): chr8:41,934,231, T>C on the plus strand (A>G on the coding strand, the complement: KAT6A is on the minus strand). VCF-style: chr8-41934231-T-C. GRCh37 (hg19) VCF-style: chr8-41791749-T-C.
Other names: short protein forms K1330R.
Identifiers: ClinVar variation 1306017 (VCV001306017.8), dbSNP rs746406926, ClinGen allele CA4729564.